The following is an entry in ClinVar:

NM_001267550.2(TTN):c.44465_44466del (p.Leu14822fs)

Gene: TTN (titin; minus strand). Cytogenetic location: 2q31.2.
Variant type: Deletion.
Coding change: c.44465_44466del on transcript NM_001267550.2 (MANE Select); coding-DNA positions 44465 to 44466, 2 bases deleted (TG; older notation c.44465_44466delTG).
Protein change: p.Leu14822fs; shifts the reading frame from leucine 14822.
Molecular consequence: frameshift variant.
Genome position (GRCh38, 1-based): chr2:178,625,355-178,625,356, CA deleted on the plus strand (TG on the coding strand, the reverse complement: TTN is on the minus strand). VCF-style (leftmost placement, unchanged base first): chr2-178625354-TCA-T. GRCh37 (hg19) VCF-style: chr2-179490081-TCA-T.
Other names: c.39542_39543del, p.Leu13181fs (NM_001256850.1); c.17270_17271del, p.Leu5757fs (NM_003319.4); c.36761_36762del, p.Leu12254fs (NM_133378.4); c.17645_17646del, p.Leu5882fs (NM_133432.3); c.17846_17847del, p.Leu5949fs (NM_133437.4); c.39542_39543delTG (NM_001256850.1); short protein forms L13181fs, L5882fs, L5949fs, L12254fs, L14822fs, L5757fs.
Identifiers: ClinVar variation 817709 (VCV000817709.1), dbSNP rs1576608220, ClinGen allele CA915942163.
Genomic context (GRCh38, chr2:178,625,354, plus strand): 5'-GAGTTTTGAAATCTTTTGCTGTTAGTTGGACTTCCCCAGCATCTTCTAACTTTACATCCC[TCA>T]GAGTAAGTGTATGAACTTTTCCTTCTGAACGTGGGACCACCTAGTTGTTTTTAAAAAAAG-3'

ClinVar aggregate classification (germline): Likely pathogenic (1 of 4 stars; one submission).

Submission:

GeneDx
Classification: Likely pathogenic. Last evaluated: 2018-06-29. Review status: criteria provided, single submitter. Criteria: GeneDx Variant Classification (06012015). Collection method: clinical testing. Allele origin: germline. Affected: yes.
Comment: Although the c.39542_39543delTG likely pathogenic variant in the TTN gene has not been reported to our knowledge, this variant causes a shift in reading frame starting at codon leucine 13181, changing it to a glutamine, and creating a premature stop codon at position 32 of the new reading frame, denoted p.Leu13181GlnfsX32. This likely pathogenic variant is expected to result in either an abnormal, truncated protein product or loss of protein from this allele through nonsense-mediated mRNA decay. Other truncating TTN variants have been reported in approximately 3% of control alleles, and the majority of truncating pathogenic variants associated with DCM have been reported in the A-band (Herman et al., 2012). However, the c.39542_39543delTG variant is located in one of the constitutive exons in the I-band region, and recent studies suggest that truncating variants affecting constitutive exons throughout the TTN gene are also significantly associated with DCM (Deo, 2016; Schafer et al., 2017). Lastly, the c.39542_39543delTG variant has not been observed in large population cohorts (Lek et al., 2016).